The following is an entry in ClinVar:

NM_000465.4(BARD1):c.364+10A>G

Gene: BARD1 (BRCA1 associated RING domain 1; minus strand). Cytogenetic location: 2q35.
Variant type: single nucleotide variant.
Coding change: c.364+10A>G on transcript NM_000465.4 (MANE Select); 10 bases into the intron after coding-DNA position 364, A replaced by G.
Molecular consequence: intron variant.
Genome position (GRCh38, 1-based): chr2:214,792,287, T>C on the plus strand (A>G on the coding strand, the complement: BARD1 is on the minus strand). VCF-style: chr2-214792287-T-C. GRCh37 (hg19) VCF-style: chr2-215657011-T-C.
Other names: c.158+17125A>G (NM_001282548.2); c.307+10A>G (NM_001282543.2); c.215+4774A>G (NM_001282545.2); c.364+10A>G (NM_001282549.2).
Identifiers: ClinVar variation 2897590 (VCV002897590.4), dbSNP rs2469559962, ClinGen allele CA2662972059.

ClinVar aggregate classification (germline): Likely benign. Review status: criteria provided, multiple submitters, no conflicts (2 of 4 stars). 2 submissions from 2 submitters: Likely benign (2). Last evaluated 2024-07-19.

Conditions:
Familial cancer of breast. Also called: BREAST CANCER, FAMILIAL; Hereditary breast cancer; hereditary breast carcinoma. Identifiers: Orphanet 227535, MedGen C0346153, MONDO:0016419, OMIM 114480. Disease mechanism: loss of function.

Allele frequency attached by ClinVar (database versions not stated): gnomAD exomes below 0.00001.
gnomAD v4.1: 3 of 1,612,592 alleles (0.00019%); highest among the groups gnomAD compares: Non-Finnish European, 0.00025%; no homozygotes.

Submissions (2):

Myriad Genetics, Inc.
Classification: Likely benign for Familial cancer of breast. Last evaluated: 2024-07-19. Review status: criteria provided, single submitter. Criteria: Myriad Autosomal Dominant, Autosomal Recessive and X-Linked Classification Criteria (2023). Collection method: clinical testing. Allele origin: unknown.
Comment: This variant is considered likely benign. This variant is intronic and is not expected to impact mRNA splicing.

Labcorp Genetics (formerly Invitae), Labcorp
Classification: Likely benign for Familial cancer of breast. Last evaluated: 2022-12-06. Review status: criteria provided, single submitter. Criteria: Invitae Variant Classification Sherloc (09022015). Collection method: clinical testing. Allele origin: germline.